The following is an entry in ClinVar:

ClinVar aggregate classification (germline): Conflicting classifications of pathogenicity. Review status: criteria provided, conflicting classifications (1 of 4 stars). 4 submissions from 4 submitters: Uncertain significance (1); Benign (1); Likely benign (2). Last evaluated 2026-01-28.

Allele frequency attached by ClinVar (database versions not stated): ExAC 0.00018; 1000 Genomes Project 0.00040; gnomAD 0.00050 and 0.00052; gnomAD exomes 0.00052 and 0.00063; 1000 Genomes Project 30x 0.00062; TOPMed 0.00075.
gnomAD v4.1: 952 of 1,546,228 alleles (0.062%); highest among the groups gnomAD compares: Admixed American, 0.16%; 2 homozygotes.

Submissions (4):

Labcorp Genetics (formerly Invitae), Labcorp
Classification: Likely benign. Last evaluated: 2026-01-28. Review status: criteria provided, single submitter. Criteria: Invitae Variant Classification Sherloc (09022015). Collection method: clinical testing. Allele origin: germline.

CeGaT Center for Human Genetics Tuebingen
Classification: Likely benign. Last evaluated: 2025-07-01. Review status: criteria provided, single submitter. Criteria: CeGaT Center For Human Genetics Tuebingen Variant Classification Criteria Version 2. Collection method: clinical testing. Allele origin: germline. Affected: yes. Observed: 2 variant alleles.
Comment: KIF2A: BP4, BP7

GeneDx
Classification: Benign. Last evaluated: 2020-05-15. Review status: criteria provided, single submitter. Criteria: GeneDx Variant Classification Process June 2021. Collection method: clinical testing. Allele origin: germline. Affected: yes.

Genetic Services Laboratory, University of Chicago
Classification: Uncertain significance. Last evaluated: 2015-09-18. Review status: criteria provided, single submitter. Criteria: ACMG Guidelines, 2015. Collection method: clinical testing. Allele origin: germline. Affected: no.

NM_001098511.3(KIF2A):c.48G>A (p.Glu16=)

Genes: KIF2A (kinesin family member 2A; plus strand), LOC129993961 (ATAC-STARR-seq lymphoblastoid silent region 16051; plus strand). Cytogenetic location: 5q12.1.
Variant type: single nucleotide variant.
Coding change: c.48G>A on transcript NM_001098511.3 (MANE Select); coding-DNA position 48, G replaced by A.
Protein change: p.Glu16=; no amino-acid change (glutamic acid 16 retained).
Molecular consequence: synonymous variant. On other transcripts: 5 prime UTR variant (1).
Genome position (GRCh38, 1-based): chr5:62,306,520, G>A. VCF-style: chr5-62306520-G-A. GRCh37 (hg19) VCF-style: chr5-61602347-G-A.
Other names: c.-237G>A (NM_001243952.2); c.48G>A, p.Glu16= (NM_001243953.2, NM_004520.5).
Identifiers: ClinVar variation 435641 (VCV000435641.41), dbSNP rs533812435, ClinGen allele CA3278672.
Genomic context (GRCh38, chr5:62,306,520, plus strand): 5'-TCCAGATGAGGTGATGGCAACGGCCAACTTCGGCAAGATCCAGATCGGGATTTACGTGGA[G>A]ATCAAGCGCAGCGATGGTGAGCCGCGCTGCCAGCCCCGCTGGCCCGCTCGGCCCCGTGTT-3'
Protein context (NP_001091981.1, residues 6-26): FGKIQIGIYV[Glu16=]IKRSDGRIHQ